The following is an entry in ClinVar:

ClinVar aggregate classification (germline): Conflicting classifications of pathogenicity. Review status: criteria provided, conflicting classifications (1 of 4 stars). 5 submissions from 5 submitters: Uncertain significance (4); Benign (1). Last evaluated 2025-09-26.

Conditions:
Coffin-Siris syndrome 1 (CSS1). Also called: Mental retardation, autosomal dominant 12; ARID1B-Related Coffin-Siris Syndrome. Identifiers: Orphanet 1465, MedGen C3281201, MONDO:0007617, OMIM 135900. Disease mechanism: gain of function.
Inborn genetic diseases. Identifiers: MedGen C0950123, MeSH D030342.

Allele frequency attached by ClinVar (database versions not stated): gnomAD 0.00003 and 0.00005; gnomAD exomes 0.00004; TOPMed 0.00004; ExAC 0.00008; 1000 Genomes Project 30x 0.00031; 1000 Genomes Project 0.00040.
gnomAD v4.1: 33 of 1,606,078 alleles (0.0021%); highest among the groups gnomAD compares: Admixed American, 0.013%; no homozygotes.

Submissions (5):

Labcorp Genetics (formerly Invitae), Labcorp
Classification: Benign. Last evaluated: 2025-09-26. Review status: criteria provided, single submitter. Criteria: Invitae Variant Classification Sherloc (09022015). Collection method: clinical testing. Allele origin: germline.

Revvity Omics, Revvity
Classification: Uncertain significance for Coffin-Siris syndrome 1. Last evaluated: 2021-11-16. Review status: criteria provided, single submitter. Criteria: ACMG Guidelines, 2015. Collection method: clinical testing. Allele origin: germline.

Genome-Nilou Lab
Classification: Uncertain significance for Coffin-Siris syndrome 1. Last evaluated: 2021-07-15. Review status: criteria provided, single submitter. Criteria: ACMG Guidelines, 2015. Collection method: clinical testing. Allele origin: germline. Affected: no.

CeGaT Center for Human Genetics Tuebingen
Classification: Uncertain significance. Last evaluated: 2017-07-01. Review status: criteria provided, single submitter. Criteria: CeGaT Center For Human Genetics Tuebingen Variant Classification Criteria Version 2. Collection method: clinical testing. Allele origin: germline. Affected: yes. Observed: 1 variant allele.

Ambry Genetics
Classification: Uncertain significance for Inborn genetic diseases. Last evaluated: 2016-09-20. Review status: criteria provided, single submitter. Criteria: Ambry Variant Classification Scheme 2023. Collection method: clinical testing. Allele origin: germline.
Comment: The p.G1364S variant (also known as c.4090G>A), located in coding exon 17 of the ARID1B gene, results from a G to A substitution at nucleotide position 4090. The glycine at codon 1364 is replaced by serine, an amino acid with similar properties. This variant was previously reported in the SNPDatabase as rs151115781. Based on data from the 1000 Genomes Project, the A allele has an overall frequency of approximately 0.1% (2/2098) total alleles studied. The highest observed frequency was 0.52% (1/194) Han Chinese alleles. In the ESP, this variant was not observed in 6485 samples (12970 alleles) with coverage at this position. This amino acid position is highly conserved in available vertebrate species. In addition, the in silico prediction for this alteration is inconclusive. Since supporting evidence is limited at this time, the clinical significance of this variant remains unclear.

NM_001374828.1(ARID1B):c.4459G>A (p.Gly1487Ser)

Gene: ARID1B (AT-rich interaction domain 1B; plus strand). Cytogenetic location: 6q25.3.
Variant type: single nucleotide variant.
Coding change: c.4459G>A on transcript NM_001374828.1 (MANE Select); coding-DNA position 4459, G replaced by A.
Protein change: p.Gly1487Ser; replaces glycine 1487 with serine.
Molecular consequence: missense variant.
Genome position (GRCh38, 1-based): chr6:157,198,887, G>A. VCF-style: chr6-157198887-G-A. GRCh37 (hg19) VCF-style: chr6-157520021-G-A.
Other names: c.1960G>A, p.Gly654Ser (NM_001363725.2); c.4339G>A, p.Gly1447Ser (NM_001371656.1, NM_001374820.1); c.4300G>A, p.Gly1434Ser (NM_017519.3); c.4090G>A, p.Gly1364Ser (NM_020732.3); short protein forms G1364S, G654S, G1434S, G1447S, G1487S.
Identifiers: ClinVar variation 493445 (VCV000493445.88), dbSNP rs151115781, ClinGen allele CA4067629.